The following is an entry in ClinVar:

NM_001352754.2(ARMC9):c.2131+1G>T

Gene: ARMC9 (armadillo repeat containing 9; plus strand). Cytogenetic location: 2q37.1.
Variant type: single nucleotide variant.
Coding change: c.2131+1G>T on transcript NM_001352754.2 (MANE Select); the canonical splice donor site of the intron after coding-DNA position 2131, G replaced by T.
Molecular consequence: splice donor variant.
Genome position (GRCh38, 1-based): chr2:231,355,935, G>T. VCF-style: chr2-231355935-G-T. GRCh37 (hg19) VCF-style: chr2-232220647-G-T.
Other names: c.2131+1G>T (NM_001271466.4).
Identifiers: ClinVar variation 1066308 (VCV001066308.8), dbSNP rs566344934, ClinGen allele CA350957864.

ClinVar aggregate classification (germline): Uncertain significance (1 of 4 stars; one submission).

gnomAD v4.1: 1 of 1,534,858 alleles (0.000065%); highest among the groups gnomAD compares: Non-Finnish European, 0.000087%; no homozygotes.

Submission:

Labcorp Genetics (formerly Invitae), Labcorp
Classification: Uncertain significance. Last evaluated: 2021-08-04. Review status: criteria provided, single submitter. Criteria: Invitae Variant Classification Sherloc (09022015). Collection method: clinical testing. Allele origin: germline.
Comment: In summary, the available evidence is currently insufficient to determine the role of this variant in disease. Therefore, it has been classified as a Variant of Uncertain Significance. Algorithms developed to predict the effect of sequence changes on RNA splicing suggest that this variant may disrupt the consensus splice site. This variant has not been reported in the literature in individuals affected with ARMC9-related conditions. The frequency data for this variant in the population databases is considered unreliable, as metrics indicate insufficient coverage at this position in the ExAC database. This sequence change affects a donor splice site in intron 21 of the ARMC9 gene. However, it is currently unclear if variants that occur in this region of the gene cause disease.